The following is an entry in ClinVar:

ClinVar aggregate classification (germline): Pathogenic/Likely pathogenic. Review status: criteria provided, multiple submitters, no conflicts (2 of 4 stars). 3 submissions from 3 submitters: Pathogenic (2); Likely pathogenic (1). Last evaluated 2025-02-10.

Conditions:
Congenital anomalies of kidney and urinary tract syndrome with or without hearing loss, abnormal ears, or developmental delay. Also called: Congenital Anomalies of the Kidney and Urinary Tract syndrome with or without Hearing Loss, Abnormal Ears, or Developmental Delay. Identifiers: Orphanet 656130, MedGen C4539968, MONDO:0060549, OMIM 617641.

Submissions (3):

3billion
Classification: Likely pathogenic for Congenital anomalies of kidney and urinary tract syndrome with or without hearing loss, abnormal ears, or developmental delay. Last evaluated: 2025-02-10. Review status: criteria provided, single submitter. Criteria: ACMG Guidelines, 2015. Collection method: clinical testing. Allele origin: germline. Affected: yes.
Comment: The variant is not observed in the gnomAD v4.1.0 dataset. Predicted Consequence/Location: Frameshift: predicted to result in a loss or disruption of normal protein function through nonsense-mediated decay (NMD) or protein truncation. Multiple pathogenic variants are reported downstream of the variant. Therefore, this variant is classified as Likely pathogenic according to the recommendation of ACMG/AMP guideline.

Labcorp Genetics (formerly Invitae), Labcorp
Classification: Pathogenic. Last evaluated: 2024-05-08. Review status: criteria provided, single submitter. Criteria: Invitae Variant Classification Sherloc (09022015). Collection method: clinical testing. Allele origin: germline.
Comment: This sequence change creates a premature translational stop signal (p.Arg206Alafs*18) in the PBX1 gene. It is expected to result in an absent or disrupted protein product. Loss-of-function variants in PBX1 are known to be pathogenic (PMID: 28566479, 29036646, 29226118). This variant is not present in population databases (gnomAD no frequency). This variant has not been reported in the literature in individuals affected with PBX1-related conditions. ClinVar contains an entry for this variant (Variation ID: 1339930). For these reasons, this variant has been classified as Pathogenic.

MVZ Medizinische Genetik Mainz
Classification: Pathogenic for Congenital anomalies of kidney and urinary tract syndrome with or without hearing loss, abnormal ears, or developmental delay. Last evaluated: 2023-12-29. Review status: criteria provided, single submitter. Criteria: UK Practice Guidelines For Variant Classification V4 01 2020. Collection method: clinical testing. Allele origin: germline. Inheritance: Autosomal dominant inheritance. Affected: yes. Observed: 1 variant allele.
Comment: ACMG Criteria: PVS1,PM2_SUP

Literature cited by the submitters: PubMed 28566479 (cited by Labcorp Genetics (formerly Invitae), Labcorp); PubMed 29036646 (cited by Labcorp Genetics (formerly Invitae), Labcorp); PubMed 29226118 (cited by Labcorp Genetics (formerly Invitae), Labcorp).

NM_002585.4(PBX1):c.616del (p.Arg206fs)

Gene: PBX1 (PBX homeobox 1; plus strand). Cytogenetic location: 1q23.3.
Variant type: Deletion.
Coding change: c.616del on transcript NM_002585.4 (MANE Select); coding-DNA position 616, one base deleted (C; older notation c.616delC).
Protein change: p.Arg206fs; shifts the reading frame from arginine 206.
Molecular consequence: frameshift variant.
Genome position (GRCh38, 1-based): chr1:164,799,804, C deleted; the last of 2 consecutive C bases (chr1:164,799,803-164,799,804); deleting either gives the same sequence. VCF-style (leftmost placement, unchanged base first): chr1-164799802-AC-A. GRCh37 (hg19) VCF-style: chr1-164769039-AC-A.
Other names: c.616del, p.Arg206fs (NM_001204961.2, NM_001204963.2, NM_001353131.2); c.367del, p.Arg123fs (NM_001353130.1); short protein forms R123fs, R206fs.
Identifiers: ClinVar variation 1339930 (VCV001339930.6), dbSNP rs2102319548, ClinGen allele CA2573051405.